The following is an entry in ClinVar:

ClinVar aggregate classification (germline): Pathogenic (1 of 4 stars; one submission).

Conditions:
Hereditary diffuse gastric adenocarcinoma (HDGC). Also called: DIFFUSE GASTRIC AND LOBULAR BREAST CANCER SYNDROME. Identifiers: Orphanet 26106, MedGen C1708349, MONDO:0007648, OMIM 137215.

Submission:

Labcorp Genetics (formerly Invitae), Labcorp
Classification: Pathogenic for Hereditary diffuse gastric adenocarcinoma. Last evaluated: 2022-12-14. Review status: criteria provided, single submitter. Criteria: Invitae Variant Classification Sherloc (09022015). Collection method: clinical testing. Allele origin: germline.
Comment: This variant has not been reported in the literature in individuals affected with CDH1-related conditions. For these reasons, this variant has been classified as Pathogenic. This variant is a gross deletion of the genomic region encompassing exon(s) 10 of the CDH1 gene. This deletion is out-of-frame, and is expected to create a premature termination codon and result in an absent or disrupted protein product. Loss-of-function variants in CDH1 are known to be pathogenic (PMID: 15235021, 20373070).

Literature cited by the submitters: PubMed 15235021; PubMed 20373070.

NC_000016.10:g.(?_68815505)_(68815769_?)del

Gene: CDH1 (cadherin 1; plus strand). Cytogenetic location: 16q22.1.
Variant type: Deletion.
Identifiers: ClinVar variation 659610 (VCV000659610.7).